The following is an entry in ClinVar:

ClinVar aggregate classification (germline): Uncertain significance (1 of 4 stars; one submission).

Conditions:
Developmental delay, impaired speech, and behavioral abnormalities. Identifiers: MedGen C5561957, MONDO:0859178, OMIM 619475.

Submission:

3billion
Classification: Uncertain significance for Developmental delay, impaired speech, and behavioral abnormalities. Last evaluated: 2025-12-11. Review status: criteria provided, single submitter. Criteria: ACMG Guidelines, 2015. Collection method: clinical testing. Allele origin: germline. Affected: yes.
Comment: The variant is not observed in the gnomAD v4.1.0 dataset. Predicted Consequence/Location: Intron variant In silico tools predict the variant to alter splicing and produce an abnormal transcript [SpliceAI: 0.43 (>=0.2, moderate evidence for spliceogenicity)]. Therefore, this variant is classified as VUS according to the recommendation of ACMG/AMP guideline.

NM_003128.3(SPTBN1):c.301-1573A>G

Gene: SPTBN1 (spectrin beta, non-erythrocytic 1; plus strand). Cytogenetic location: 2p16.2.
Variant type: single nucleotide variant.
Coding change: c.301-1573A>G on transcript NM_003128.3 (MANE Select); 1573 bases into the intron before coding-DNA position 301, A replaced by G.
Molecular consequence: intron variant.
Genome position (GRCh38, 1-based): chr2:54,610,588, A>G. VCF-style: chr2-54610588-A-G. GRCh37 (hg19) VCF-style: chr2-54837725-A-G.
Other names: c.262-1573A>G (NM_178313.3).
Identifiers: ClinVar variation 4855873 (VCV004855873.1).
Genomic context (GRCh38, chr2:54,610,588, plus strand): 5'-GTGCTGGGATTACAGGCATGAGCTGCTGCACCCAGCCAAACGCTGCATTTTCAATATGAG[A>G]TAAAAAGATATTTCACAAAAAAGTGCAAGGTCTTTGCATCTGCTGGTGTAGCTTCAGGGA-3'